The following is an entry in ClinVar:

NM_003049.4(SLC10A1):c.44C>T (p.Pro15Leu)

Gene: SLC10A1 (solute carrier family 10 member 1; minus strand). Cytogenetic location: 14q24.1.
Variant type: single nucleotide variant.
Coding change: c.44C>T on transcript NM_003049.4 (MANE Select); coding-DNA position 44, C replaced by T.
Protein change: p.Pro15Leu; replaces proline 15 with leucine.
Molecular consequence: missense variant.
Genome position (GRCh38, 1-based): chr14:69,797,112, G>A on the plus strand (C>T on the coding strand, the complement: SLC10A1 is on the minus strand). VCF-style: chr14-69797112-G-A. GRCh37 (hg19) VCF-style: chr14-70263829-G-A.
Other names: short protein forms P15L.
Identifiers: ClinVar variation 4988332 (VCV004988332.1).
Genomic context (GRCh38, chr14:69,797,112, plus strand): 5'-AACATGAACACCAGGATGACGCTCAGTGCCAGGTCTGTGGGGCGCTTGCCAAAGTTGGGT[G>A]GCAGGGTGAAGTTGAATGGGGCAGACGCGTTGTGGGCCTCCATCCTCCTGTGAGGCAGTG-3'
Protein context (NP_003040.1, residues 5-25): NASAPFNFTL[Pro15Leu]PNFGKRPTDL

ClinVar aggregate classification (germline): Uncertain significance (1 of 4 stars; one submission).

Conditions:
SLC10A1-related disorder. Also called: SLC10A1-related condition.

gnomAD v4.1: 13 of 1,614,004 alleles (0.00081%); highest among the groups gnomAD compares: Non-Finnish European, 0.0011%; no homozygotes.

Submission:

PreventionGenetics, part of Exact Sciences
Classification: Uncertain significance for SLC10A1-related condition. Last evaluated: 2025-09-03. Review status: criteria provided, single submitter. Criteria: ACMG Guidelines, 2015. Collection method: clinical testing. Allele origin: germline.
Comment: The SLC10A1 c.44C>T variant is predicted to result in the amino acid substitution p.Pro15Leu. To our knowledge, this variant has not been reported in the literature or in a large population database (gnomAD), indicating this variant is rare. At this time, the clinical significance of this variant is uncertain due to the absence of conclusive functional and genetic evidence.